The following is an entry in ClinVar:

NM_025216.3(WNT10A):c.803C>G (p.Ser268Ter)

Gene: WNT10A (Wnt family member 10A; plus strand). Cytogenetic location: 2q35.
Variant type: single nucleotide variant.
Coding change: c.803C>G on transcript NM_025216.3 (MANE Select); coding-DNA position 803, C replaced by G.
Protein change: p.Ser268Ter; replaces serine 268 with a stop codon.
Molecular consequence: nonsense.
Genome position (GRCh38, 1-based): chr2:218,892,820, C>G. VCF-style: chr2-218892820-C-G. GRCh37 (hg19) VCF-style: chr2-219757542-C-G.
Other names: short protein forms S268*.
Identifiers: ClinVar variation 265294 (VCV000265294.10), dbSNP rs886039454, ClinGen allele CA10588339.

ClinVar aggregate classification (germline): Pathogenic. Review status: criteria provided, multiple submitters, no conflicts (2 of 4 stars). 4 submissions from 4 submitters: Pathogenic (4). Last evaluated 2024-03-02.

Conditions:
WNT10A-related disorder. Also called: WNT10A-related condition; WNT10A-related disorders.
Schöpf-Schulz-Passarge syndrome. Also called: ECCRINE TUMORS WITH ECTODERMAL DYSPLASIA; KERATOSIS PALMOPLANTARIS WITH CYSTIC EYELIDS, HYPODONTIA, AND HYPOTRICHOSIS; SchC6pf-Schulz-Passarge syndrome. Identifiers: Orphanet 50944, MedGen C1857069, MONDO:0009145, OMIM 224750.
Odonto-onycho-dermal dysplasia. Identifiers: Orphanet 2721, MedGen C0796093, MONDO:0009773, OMIM 257980.
Tooth agenesis, selective, 4 (STHAG4). Also called: SUCCEDANEOUS TEETH, AGENESIS OF; TOOTH AGENESIS, SELECTIVE, 4, WITH OR WITHOUT ECTODERMAL DYSPLASIA; LATERAL INCISORS, ABSENCE OF; LATERAL INCISORS, PEGGED OR MISSING. Identifiers: Orphanet 99798, MedGen C1835492, MONDO:0007881, OMIM 150400. Disease mechanism: loss of function.

Allele frequency attached by ClinVar (database versions not stated): gnomAD exomes below 0.00001 and 0.00001.
gnomAD v4.1: 3 of 1,596,882 alleles (0.00019%); highest among the groups gnomAD compares: Non-Finnish European, 0.00026%; no homozygotes.

Submissions (4):

Labcorp Genetics (formerly Invitae), Labcorp
Classification: Pathogenic for Tooth agenesis, selective, 4; Odonto-onycho-dermal dysplasia. Last evaluated: 2024-03-02. Review status: criteria provided, single submitter. Criteria: Invitae Variant Classification Sherloc (09022015). Collection method: clinical testing. Allele origin: germline.
Comment: This sequence change creates a premature translational stop signal (p.Ser268*) in the WNT10A gene. While this is not anticipated to result in nonsense mediated decay, it is expected to disrupt the last 150 amino acid(s) of the WNT10A protein. This variant is present in population databases (no rsID available, gnomAD 0.001%). This variant has not been reported in the literature in individuals affected with WNT10A-related conditions. ClinVar contains an entry for this variant (Variation ID: 265294). This variant disrupts a region of the WNT10A protein in which other variant(s) (p.Glu390*) have been determined to be pathogenic (PMID: 24902757; Invitae). This suggests that this is a clinically significant region of the protein, and that variants that disrupt it are likely to be disease-causing. For these reasons, this variant has been classified as Pathogenic.

Blueprint Genetics
Classification: Pathogenic for WNT10A-related disorders. Last evaluated: 2023-12-27. Review status: criteria provided, single submitter. Criteria: ACMG Guidelines, 2015. Collection method: clinical testing. Allele origin: germline. Affected: yes. Observed: 5 variant alleles.

Fulgent Genetics
Classification: Pathogenic for Tooth agenesis, selective, 4; Schöpf-Schulz-Passarge syndrome; Odonto-onycho-dermal dysplasia. Last evaluated: 2021-08-17. Review status: criteria provided, single submitter. Criteria: ACMG Guidelines, 2015. Collection method: clinical testing. Allele origin: unknown.

GeneDx
Classification: Pathogenic. Last evaluated: 2016-07-04. Review status: criteria provided, single submitter. Criteria: GeneDx Variant Classification (06012015). Collection method: clinical testing. Allele origin: germline. Affected: yes.
Comment: The S268X pathogenic variant in the WNT10A gene has not been reported previously as a pathogenic variant nor as a benign variant, to our knowledge. This variant is predicted to cause loss of normal protein function through protein truncation, as the last 150 amino acids of the protein are lost. The S268X variant was not observed in approximately 6400 individuals of European and African American ancestry in the NHLBI Exome Sequencing Project, indicating it is not a common benign variant in these populations. We interpret S268X as a pathogenic variant.

Literature cited by the submitters: PubMed 24902757 (cited by Labcorp Genetics (formerly Invitae), Labcorp).